The following is an entry in ClinVar:

NM_001048174.2(MUTYH):c.1190A>G (p.Gln397Arg)

Gene: MUTYH (mutY DNA glycosylase; minus strand). Cytogenetic location: 1p34.1.
Variant type: single nucleotide variant.
Coding change: c.1190A>G on transcript NM_001048174.2 (MANE Select); coding-DNA position 1190, A replaced by G.
Protein change: p.Gln397Arg; replaces glutamine 397 with arginine.
Molecular consequence: missense variant. On other transcripts: non-coding transcript variant (2).
Genome position (GRCh38, 1-based): chr1:45,331,469, T>C on the plus strand (A>G on the coding strand, the complement: MUTYH is on the minus strand). VCF-style: chr1-45331469-T-C. GRCh37 (hg19) VCF-style: chr1-45797141-T-C.
Other names: c.1193A>G, p.Gln398Arg (NM_001048172.2); c.1190A>G, p.Gln397Arg (NM_001048173.2, NM_001048171.2, NM_001293195.2); c.1274A>G, p.Gln425Arg (NM_001128425.2); c.1235A>G, p.Gln412Arg (NM_001293190.2); c.1223A>G, p.Gln408Arg (NM_001293191.2); c.914A>G, p.Gln305Arg (NM_001293192.2, NM_001293196.2); c.845A>G, p.Gln282Arg (NM_001350650.2, NM_001350651.2); c.1265A>G, p.Gln422Arg (NM_012222.3); short protein forms Q425R, Q412R, Q282R, Q305R, Q408R, Q397R, Q398R, Q422R.
Identifiers: ClinVar variation 619702 (VCV000619702.22), dbSNP rs1205029214, ClinGen allele CA340132913.

ClinVar aggregate classification (germline): Conflicting classifications of pathogenicity. Review status: criteria provided, conflicting classifications (1 of 4 stars). 7 submissions from 7 submitters: Uncertain significance (6); Benign (1). Last evaluated 2025-09-14.

Conditions:
Hereditary cancer-predisposing syndrome. Also called: Neoplastic Syndromes, Hereditary; Hereditary Cancer Syndrome; Tumor predisposition; Hereditary neoplastic syndrome. Identifiers: Orphanet 140162, MedGen C0027672, MeSH D009386, MONDO:0015356.
Familial adenomatous polyposis 2. Also called: COLORECTAL ADENOMATOUS POLYPOSIS, AUTOSOMAL RECESSIVE; ADENOMAS, MULTIPLE COLORECTAL, AUTOSOMAL RECESSIVE; MUTYH-associated polyposis; MUTYH-related attenuated familial adenomatous polyposis; MUTYH Polyposis; Adenomas, multiple colorectal. Identifiers: Orphanet 220460, Orphanet 247798, MedGen C3272841, MONDO:0012041, OMIM 608456.

Allele frequency attached by ClinVar (database versions not stated): gnomAD exomes below 0.00001.
gnomAD v4.1: 1 of 1,614,188 alleles (0.000062%); no homozygotes.

Submissions (7):

Labcorp Genetics (formerly Invitae), Labcorp
Classification: Uncertain significance for Familial adenomatous polyposis 2. Last evaluated: 2025-09-14. Review status: criteria provided, single submitter. Criteria: Invitae Variant Classification Sherloc (09022015). Collection method: clinical testing. Allele origin: germline.
Comment: This sequence change replaces glutamine, which is neutral and polar, with arginine, which is basic and polar, at codon 425 of the MUTYH protein (p.Gln425Arg). This variant is present in population databases (no rsID available, gnomAD 0.004%). This variant has not been reported in the literature in individuals affected with MUTYH-related conditions. ClinVar contains an entry for this variant (Variation ID: 619702). An algorithm developed to predict the effect of missense changes on protein structure and function outputs the following: PolyPhen-2: "Benign". The arginine amino acid residue is found in multiple mammalian species, which suggests that this missense change does not adversely affect protein function. In summary, the available evidence is currently insufficient to determine the role of this variant in disease. Therefore, it has been classified as a Variant of Uncertain Significance.

Ambry Genetics
Classification: Benign for Hereditary cancer-predisposing syndrome. Last evaluated: 2025-09-09. Review status: criteria provided, single submitter. Criteria: Ambry Variant Classification Scheme 2023. Collection method: clinical testing. Allele origin: germline.

Color Diagnostics, LLC DBA Color Health
Classification: Uncertain significance for Hereditary cancer-predisposing syndrome. Last evaluated: 2024-03-06. Review status: criteria provided, single submitter. Criteria: ACMG Guidelines, 2015. Collection method: clinical testing. Allele origin: germline.
Comment: This missense variant replaces glutamine with arginine at codon 425 of the MUTYH protein. Computational prediction suggests that this variant may not impact protein structure and function (internally defined REVEL score threshold <= 0.5, PMID: 27666373). To our knowledge, functional studies have not been reported for this variant. This variant has not been reported in individuals affected with hereditary cancer in the literature. This variant has been identified in 1/251266 chromosomes in the general population by the Genome Aggregation Database (gnomAD). The available evidence is insufficient to determine the role of this variant in disease conclusively. Therefore, this variant is classified as a Variant of Uncertain Significance.

All of Us Research Program, National Institutes of Health
Classification: Uncertain significance for Familial adenomatous polyposis 2. Last evaluated: 2024-03-05. Review status: criteria provided, single submitter. Criteria: ACMG Guidelines, 2015. Collection method: clinical testing. Allele origin: germline. Inheritance: Autosomal recessive inheritance. Observed: 1 variant allele, 1 heterozygote.
Comment: This missense variant replaces glutamine with arginine at codon 425 of the MUTYH protein. Computational prediction suggests that this variant may not impact protein structure and function (internally defined REVEL score threshold <= 0.5, PMID: 27666373). To our knowledge, functional studies have not been reported for this variant. This variant has not been reported in individuals affected with hereditary cancer in the literature. This variant has been identified in 1/251266 chromosomes in the general population by the Genome Aggregation Database (gnomAD). The available evidence is insufficient to determine the role of this variant in disease conclusively. Therefore, this variant is classified as a Variant of Uncertain Significance.

This study involves interpretation of variants in research participants for the purpose of population health screening. Participant phenotype was not available at the time of variant classification. Additional details can be found in publication PMID: 35346344, PMCID: PMC8962531

Baylor Genetics
Classification: Uncertain significance for Familial adenomatous polyposis 2. Last evaluated: 2023-10-15. Review status: criteria provided, single submitter. Criteria: ACMG Guidelines, 2015. Collection method: clinical testing. Allele origin: unknown.

GeneDx
Classification: Uncertain significance. Last evaluated: 2022-04-25. Review status: criteria provided, single submitter. Criteria: GeneDx Variant Classification Process June 2021. Collection method: clinical testing. Allele origin: germline. Affected: yes.
Comment: Not observed at significant frequency in large population cohorts (gnomAD); In silico analysis supports that this missense variant does not alter protein structure/function; Has not been previously published as pathogenic or benign to our knowledge; This variant is associated with the following publications: (PMID: 23108399)

Quest Diagnostics Nichols Institute San Juan Capistrano
Classification: Uncertain significance. Last evaluated: 2018-06-21. Review status: criteria provided, single submitter. Criteria: Quest Diagnostics criteria. Collection method: clinical testing. Allele origin: germline.